The following is an entry in ClinVar:

NM_006231.4(POLE):c.1174G>A (p.Asp392Asn)

Gene: POLE (DNA polymerase epsilon, catalytic subunit; minus strand). Cytogenetic location: 12q24.33.
Variant type: single nucleotide variant.
Coding change: c.1174G>A on transcript NM_006231.4 (MANE Select); coding-DNA position 1174, G replaced by A.
Protein change: p.Asp392Asn; replaces aspartic acid 392 with asparagine.
Molecular consequence: missense variant.
Genome position (GRCh38, 1-based): chr12:132,675,450, C>T on the plus strand (G>A on the coding strand, the complement: POLE is on the minus strand). VCF-style: chr12-132675450-C-T. GRCh37 (hg19) VCF-style: chr12-133252036-C-T.
Other names: short protein forms D392N.
Identifiers: ClinVar variation 936838 (VCV000936838.9), dbSNP rs1054622072, ClinGen allele CA387360877.

ClinVar aggregate classification (germline): Uncertain significance (1 of 4 stars; one submission).

Submission:

Labcorp Genetics (formerly Invitae), Labcorp
Classification: Uncertain significance. Last evaluated: 2023-07-03. Review status: criteria provided, single submitter. Criteria: Invitae Variant Classification Sherloc (09022015). Collection method: clinical testing. Allele origin: germline.
Comment: ClinVar contains an entry for this variant (Variation ID: 936838). Advanced modeling of protein sequence and biophysical properties (such as structural, functional, and spatial information, amino acid conservation, physicochemical variation, residue mobility, and thermodynamic stability) performed at Invitae indicates that this missense variant is not expected to disrupt POLE protein function. In summary, the available evidence is currently insufficient to determine the role of this variant in disease. Therefore, it has been classified as a Variant of Uncertain Significance. This variant has not been reported in the literature in individuals affected with POLE-related conditions. This sequence change replaces aspartic acid, which is acidic and polar, with asparagine, which is neutral and polar, at codon 392 of the POLE protein (p.Asp392Asn). This variant is not present in population databases (gnomAD no frequency).